The following is an entry in ClinVar:

NM_000136.3(FANCC):c.779A>G (p.Lys260Arg)

Genes: AOPEP (aminopeptidase O (putative); plus strand), FANCC (FA complementation group C; minus strand). Cytogenetic location: 9q22.32.
Variant type: single nucleotide variant.
Coding change: c.779A>G on transcript NM_000136.3 (MANE Select); coding-DNA position 779, A replaced by G.
Protein change: p.Lys260Arg; replaces lysine 260 with arginine.
Molecular consequence: missense variant.
Genome position (GRCh38, 1-based): chr9:95,135,410, T>C on the plus strand (A>G on the coding strand, the complement: FANCC is on the minus strand). VCF-style: chr9-95135410-T-C. GRCh37 (hg19) VCF-style: chr9-97897692-T-C.
Other names: c.779A>G, p.Lys260Arg (NM_001243743.2, NM_001243744.2); short protein forms K260R.
Identifiers: ClinVar variation 3230396 (VCV003230396.1), dbSNP rs2541400879, ClinGen allele CA374109303.
Genomic context (GRCh38, chr9:95,135,410, plus strand): 5'-GATGAATCTTTTATAAAGCATTCGATCCTTCTCAGACAATTTCTCTCACTGGAGATTAGC[T>C]TTTCAAAAAGATGCAGCATTGCTTTTTCAAGGCTGGGAAGGTGCCGAAGCCAGAGGCAGA-3'
Protein context (NP_000127.2, residues 250-270): LEKAMLHLFE[Lys260Arg]LISSERNCLR

ClinVar aggregate classification (germline): Uncertain significance (1 of 4 stars; one submission).

Conditions:
Hereditary cancer-predisposing syndrome. Also called: Neoplastic Syndromes, Hereditary; Tumor predisposition; Hereditary neoplastic syndrome; Hereditary Cancer Syndrome. Identifiers: Orphanet 140162, MedGen C0027672, MeSH D009386, MONDO:0015356.

Submission:

Ambry Genetics
Classification: Uncertain significance for Hereditary cancer-predisposing syndrome. Last evaluated: 2023-10-05. Review status: criteria provided, single submitter. Criteria: Ambry Variant Classification Scheme 2023. Collection method: clinical testing. Allele origin: germline.
Comment: The p.K260R variant (also known as c.779A>G), located in coding exon 7 of the FANCC gene, results from an A to G substitution at nucleotide position 779. The lysine at codon 260 is replaced by arginine, an amino acid with highly similar properties. This amino acid position is conserved. In addition, this alteration is predicted to be tolerated by in silico analysis. Since supporting evidence is limited at this time, the clinical significance of this alteration remains unclear.